The following is an entry in ClinVar:

NM_152703.5(SAMD9L):c.1321T>C (p.Phe441Leu)

Gene: SAMD9L (sterile alpha motif domain containing 9 like; minus strand). Cytogenetic location: 7q21.2.
Variant type: single nucleotide variant.
Coding change: c.1321T>C on transcript NM_152703.5 (MANE Select); coding-DNA position 1321, T replaced by C.
Protein change: p.Phe441Leu; replaces phenylalanine 441 with leucine.
Molecular consequence: missense variant.
Genome position (GRCh38, 1-based): chr7:93,134,651, A>G on the plus strand (T>C on the coding strand, the complement: SAMD9L is on the minus strand). VCF-style: chr7-93134651-A-G. GRCh37 (hg19) VCF-style: chr7-92763964-A-G.
Other names: c.1321T>C, p.Phe441Leu (NM_001303496.3, NM_001303497.3, NM_001303498.3 and 5 more transcripts); short protein forms F441L.
Identifiers: ClinVar variation 3792399 (VCV003792399.1).
Genomic context (GRCh38, chr7:93,134,651, plus strand): 5'-CTTTGTAAGCTTTGACCACTCCATTGATCATAGATTCAGGATCAAACTCCAACACAGCAA[A>G]CCATTTAATTTCTTTTAAAAAATCTAAGTGCTTTATTTGGTTTGGATGGCATTTATTTGT-3'
Protein context (NP_689916.2, residues 431-451): HLDFLKEIKW[Phe441Leu]AVLEFDPESM

ClinVar aggregate classification (germline): Uncertain significance (1 of 4 stars; one submission).

Conditions:
Inborn genetic diseases. Identifiers: MedGen C0950123, MeSH D030342.

Submission:

Ambry Genetics
Classification: Uncertain significance for Inborn genetic diseases. Last evaluated: 2025-02-08. Review status: criteria provided, single submitter. Criteria: Ambry Variant Classification Scheme 2023. Collection method: clinical testing. Allele origin: germline.
Comment: The p.F441L variant (also known as c.1321T>C), located in coding exon 1 of the SAMD9L gene, results from a T to C substitution at nucleotide position 1321. The phenylalanine at codon 441 is replaced by leucine, an amino acid with highly similar properties. This amino acid position is conserved. In addition, this alteration is predicted to be tolerated by in silico analysis. Based on the available evidence, the clinical significance of this variant remains unclear.